The following is an entry in ClinVar:

NM_000540.3(RYR1):c.1440+6G>A

Gene: RYR1 (ryanodine receptor 1; plus strand). Cytogenetic location: 19q13.2.
Variant type: single nucleotide variant.
Coding change: c.1440+6G>A on transcript NM_000540.3 (MANE Select); 6 bases into the intron after coding-DNA position 1440, G replaced by A.
Molecular consequence: intron variant.
Genome position (GRCh38, 1-based): chr19:38,453,020, G>A. VCF-style: chr19-38453020-G-A. GRCh37 (hg19) VCF-style: chr19-38943660-G-A.
Other names: c.1440+6G>A (NM_001042723.2).
Identifiers: ClinVar variation 2913818 (VCV002913818.3), dbSNP rs1179999411, ClinGen allele CA882040732.
Genomic context (GRCh38, chr19:38,453,020, plus strand): 5'-GAAGCAGAGCAAGCTGCGAAGCCTGCGCAACCGCCAGAGCCTCTTCCAGGAGGAGGTGAG[G>A]ACGTGGCGAGGGCGGAGCGGGGCCTGTGGGCCCAGGGGGCGGGACCACTGAGGGGCGGGG-3'

ClinVar aggregate classification (germline): Uncertain significance. Review status: criteria provided, multiple submitters, no conflicts (2 of 4 stars). 2 submissions from 2 submitters: Uncertain significance (2). Last evaluated 2023-12-21.

Conditions:
RYR1-related disorder. Also called: RYR1-related disorders; RYR1-related condition. Identifiers: MedGen CN239331.
Malignant hyperthermia, susceptibility to, 1 (MHS1). Also called: Malignant hyperthermia suceptibility 1; Anesthesia related hyperthermia; Malignant hyperpyrexia; Fulminating hyperpyrexia; Pharmacogenic myopathy; RYR1-Related Malignant Hyperthermia Susceptibility. Identifiers: Orphanet 423, MedGen C2930980, MONDO:0007783, OMIM 145600.

Allele frequency attached by ClinVar (database versions not stated): gnomAD 0.00001; gnomAD exomes 0.00001; TOPMed 0.00001.
gnomAD v4.1: 19 of 1,613,226 alleles (0.0012%); highest among the groups gnomAD compares: Non-Finnish European, 0.0014%; no homozygotes.

Submissions (2):

Labcorp Genetics (formerly Invitae), Labcorp
Classification: Uncertain significance for RYR1-related disorder. Last evaluated: 2023-12-21. Review status: criteria provided, single submitter. Criteria: Invitae Variant Classification Sherloc (09022015). Collection method: clinical testing. Allele origin: germline.
Comment: This sequence change falls in intron 13 of the RYR1 gene. It does not directly change the encoded amino acid sequence of the RYR1 protein. It affects a nucleotide within the consensus splice site. This variant is not present in population databases (gnomAD no frequency). This variant has not been reported in the literature in individuals affected with RYR1-related conditions. Variants that disrupt the consensus splice site are a relatively common cause of aberrant splicing (PMID: 17576681, 9536098). Algorithms developed to predict the effect of sequence changes on RNA splicing suggest that this variant is not likely to affect RNA splicing. In summary, the available evidence is currently insufficient to determine the role of this variant in disease. Therefore, it has been classified as a Variant of Uncertain Significance.

All of Us Research Program, National Institutes of Health
Classification: Uncertain significance for Malignant hyperthermia, susceptibility to, 1. Last evaluated: 2023-06-26. Review status: criteria provided, single submitter. Criteria: ACMG Guidelines, 2015. Collection method: clinical testing. Allele origin: germline. Inheritance: Autosomal dominant inheritance. Observed: 2 variant alleles, 2 heterozygotes.
Comment: This variant causes a G to A nucleotide substitution at the +6 position of intron 13 of the RYR1 gene. To our knowledge, RNA studies have not been reported for this variant. This variant has not been reported in individuals affected with RYR1-related disorders in the literature. This variant has not been identified in the general population by the Genome Aggregation Database (gnomAD). The available evidence is insufficient to determine the role of this variant in disease conclusively. Therefore, this variant is classified as a Variant of Uncertain Significance.

This study involves interpretation of variants in research participants for the purpose of population health screening. Participant phenotype was not available at the time of variant classification. Additional details can be found in publication PMID: 35346344, PMCID: PMC8962531

Literature cited by the submitters: PubMed 17576681 (cited by Labcorp Genetics (formerly Invitae), Labcorp); PubMed 9536098 (cited by Labcorp Genetics (formerly Invitae), Labcorp).